The following is an entry in ClinVar:

NM_001379110.1(SLC9A6):c.1751G>A (p.Ser584Asn)

Gene: SLC9A6 (solute carrier family 9 member A6; plus strand). Cytogenetic location: Xq26.3.
Variant type: single nucleotide variant.
Coding change: c.1751G>A on transcript NM_001379110.1 (MANE Select); coding-DNA position 1751, G replaced by A.
Protein change: p.Ser584Asn; replaces serine 584 with asparagine.
Molecular consequence: missense variant.
Genome position (GRCh38, 1-based): chrX:136,040,165, G>A. VCF-style: chrX-136040165-G-A. GRCh37 (hg19) VCF-style: chrX-135122324-G-A.
Other names: p.S574N:AGC>AAC; c.1817G>A, p.Ser606Asn (NM_001042537.2); c.1661G>A, p.Ser554Asn (NM_001177651.2); c.1565G>A, p.Ser522Asn (NM_001330652.2); c.1721G>A, p.Ser574Asn (NM_006359.3); short protein forms S574N, S606N, S522N, S554N, S584N.
Identifiers: ClinVar variation 207246 (VCV000207246.2), dbSNP rs796053288, ClinGen allele CA318532.

ClinVar aggregate classification (germline): Uncertain significance (1 of 4 stars; one submission).

Submission:

GeneDx
Classification: Uncertain significance. Last evaluated: 2013-11-12. Review status: criteria provided, single submitter. Criteria: GeneDx Variant Classification (06012015). Collection method: clinical testing. Allele origin: germline. Affected: yes.
Comment: p.Ser574Asn (AGC>AAC): c.1721 G>A in exon 15 of the SLC9A6 gene (NM_006359.2) The Ser574Asn missense change in the SLC9A6 gene has not been published as a mutation, nor has it been reported as a benign polymorphism to our knowledge. It was not observed in approximately 5,400 individuals of European and African American ancestry in the NHLBI Exome Sequencing Project, indicating it is not a common benign variant in these populations. This variant is a conservative substitution of one uncharged, polar amino acid for another at a position that is conserved across species. In silico analysis is inconsistent with regard to the effect this variant may have on the protein structure/function. Therefore, based on the currently available information, it is unclear whether Ser574Asn is a disease-causing mutation or a rare benign variant. The variant is found in EPILEPSY panel(s).